The following is an entry in ClinVar:

ClinVar aggregate classification (germline): Uncertain significance (1 of 4 stars; one submission).

Submission:

Labcorp Genetics (formerly Invitae), Labcorp
Classification: Uncertain significance. Last evaluated: 2025-07-29. Review status: criteria provided, single submitter. Criteria: Invitae Variant Classification Sherloc (09022015). Collection method: clinical testing. Allele origin: germline.
Comment: This sequence change replaces histidine, which is basic and polar, with arginine, which is basic and polar, at codon 1061 of the IGF1R protein (p.His1061Arg). This variant is not present in population databases (gnomAD no frequency). This variant has not been reported in the literature in individuals affected with IGF1R-related conditions. Invitae Evidence Modeling of protein sequence and biophysical properties (such as structural, functional, and spatial information, amino acid conservation, physicochemical variation, residue mobility, and thermodynamic stability) indicates that this missense variant is expected to disrupt IGF1R protein function with a positive predictive value of 80%. In summary, the available evidence is currently insufficient to determine the role of this variant in disease. Therefore, it has been classified as a Variant of Uncertain Significance.

NM_000875.5(IGF1R):c.3182A>G (p.His1061Arg)

Gene: IGF1R (insulin like growth factor 1 receptor; plus strand). Cytogenetic location: 15q26.3.
Variant type: single nucleotide variant.
Coding change: c.3182A>G on transcript NM_000875.5 (MANE Select); coding-DNA position 3182, A replaced by G.
Protein change: p.His1061Arg; replaces histidine 1061 with arginine.
Molecular consequence: missense variant.
Genome position (GRCh38, 1-based): chr15:98,935,049, A>G. VCF-style: chr15-98935049-A-G. GRCh37 (hg19) VCF-style: chr15-99478278-A-G.
Other names: c.3179A>G, p.His1060Arg (NM_001291858.2); short protein forms H1061R, H1060R.
Identifiers: ClinVar variation 4701622 (VCV004701622.1).